The following is an entry in ClinVar:

ClinVar aggregate classification (germline): Uncertain significance (1 of 4 stars; one submission).

Submission:

GeneDx
Classification: Uncertain significance. Last evaluated: 2024-12-19. Review status: criteria provided, single submitter. Criteria: GeneDx Variant Classification Process June 2021. Collection method: clinical testing. Allele origin: germline. Affected: yes.
Comment: Not observed at significant frequency in large population cohorts (gnomAD); In silico analysis indicates that this missense variant does not alter protein structure/function; Has not been previously published as pathogenic or benign to our knowledge

NM_025243.4(SLC19A3):c.710T>C (p.Ile237Thr)

Gene: SLC19A3 (solute carrier family 19 member 3; minus strand). Cytogenetic location: 2q36.3.
Variant type: single nucleotide variant.
Coding change: c.710T>C on transcript NM_025243.4 (MANE Select); coding-DNA position 710, T replaced by C.
Protein change: p.Ile237Thr; replaces isoleucine 237 with threonine.
Molecular consequence: missense variant.
Genome position (GRCh38, 1-based): chr2:227,699,005, A>G on the plus strand (T>C on the coding strand, the complement: SLC19A3 is on the minus strand). VCF-style: chr2-227699005-A-G. GRCh37 (hg19) VCF-style: chr2-228563721-A-G.
Other names: c.710T>C, p.Ile237Thr (NM_001371411.1, NM_001371412.1); c.698T>C, p.Ile233Thr (NM_001371413.1, NM_001371414.1); short protein forms I233T, I237T.
Identifiers: ClinVar variation 3906745 (VCV003906745.1).
Genomic context (GRCh38, chr2:227,699,005, plus strand): 5'-ACATTGCTTGGTTTCAGGCTGTTCAGCTGGCCCTTATTCAGCTTCCCTGAAGTGCTGAGT[A>G]TTTCTGATGTGGGTTTCTGCTCTTCACAGCCTGGTGCTTCACCTTCGTGAGTTTCCTCTA-3'
Protein context (NP_079519.1, residues 227-247): GCEEQKPTSE[Ile237Thr]LSTSGKLNKG